The following is an entry in ClinVar:

NM_152906.7(TANGO2):c.183del (p.Trp61fs)

Gene: TANGO2 (transport and golgi organization 2 homolog; plus strand). Cytogenetic location: 22q11.21.
Variant type: Deletion.
Coding change: c.183del on transcript NM_152906.7 (MANE Select); coding-DNA position 183, one base deleted (G; older notation c.183delG).
Protein change: p.Trp61fs; shifts the reading frame from tryptophan 61.
Molecular consequence: frameshift variant. On other transcripts: initiator codon variant (12), non-coding transcript variant (5).
Genome position (GRCh38, 1-based): chr22:20,052,502, G deleted; the last of 2 consecutive G bases (chr22:20,052,501-20,052,502); deleting either gives the same sequence. VCF-style (leftmost placement, unchanged base first): chr22-20052500-TG-T. GRCh37 (hg19) VCF-style: chr22-20040023-TG-T.
Other names: c.4del, p.Ala2fs (NM_001322172.2, NM_001322173.2, NM_001322174.2 and 9 more transcripts); c.183del, p.Trp61fs (NM_001283106.3, NM_001283116.3, NM_001283148.3 and 10 more transcripts); c.306del, p.Trp102fs (NM_001283129.3, NM_001283215.3, NM_001322141.2 and 5 more transcripts); short protein forms W102fs, W61fs, A2fs.
Identifiers: ClinVar variation 2732479 (VCV002732479.3), dbSNP rs2518783144, ClinGen allele CA2697547676.

ClinVar aggregate classification (germline): Pathogenic (1 of 4 stars; one submission).

Submission:

Labcorp Genetics (formerly Invitae), Labcorp
Classification: Pathogenic. Last evaluated: 2023-06-29. Review status: criteria provided, single submitter. Criteria: Invitae Variant Classification Sherloc (09022015). Collection method: clinical testing. Allele origin: germline.
Comment: This sequence change creates a premature translational stop signal (p.Trp61Cysfs*36) in the TANGO2 gene. It is expected to result in an absent or disrupted protein product. Loss-of-function variants in TANGO2 are known to be pathogenic (PMID: 26805781, 26805782). This variant is not present in population databases (gnomAD no frequency). This variant has not been reported in the literature in individuals affected with TANGO2-related conditions. For these reasons, this variant has been classified as Pathogenic.

Literature cited by the submitters: PubMed 26805781; PubMed 26805782.